The following is an entry in ClinVar:

NM_024803.3(TUBAL3):c.272G>C (p.Arg91Pro)

Gene: TUBAL3 (tubulin alpha like 3; minus strand). Cytogenetic location: 10p15.1.
Variant type: single nucleotide variant.
Coding change: c.272G>C on transcript NM_024803.3 (MANE Select); coding-DNA position 272, G replaced by C.
Protein change: p.Arg91Pro; replaces arginine 91 with proline.
Molecular consequence: missense variant.
Genome position (GRCh38, 1-based): chr10:5,395,451, C>G on the plus strand (G>C on the coding strand, the complement: TUBAL3 is on the minus strand). VCF-style: chr10-5395451-C-G. GRCh37 (hg19) VCF-style: chr10-5437414-C-G.
Other names: c.152G>C, p.Arg51Pro (NM_001171864.2); short protein forms R51P, R91P.
Identifiers: ClinVar variation 2640288 (VCV002640288.24), dbSNP rs141364432, ClinGen allele CA5392123.
Genomic context (GRCh38, chr10:5,395,451, plus strand): 5'-GCGTAATTGTTAGCAGCATCCTCCTTTCCGCTAAGGAGCTGCTCGGGGTGGAAGAGTGAA[C>G]GGTGCTGGCCCGTCCGGATCCCATCTGCAGAGGGTGAAAGGAGGTCAGTGCAACTCACCC-3'
Protein context (NP_079079.1, residues 81-101): VIDGIRTGQH[Arg91Pro]SLFHPEQLLS

ClinVar aggregate classification (germline): Likely benign (1 of 4 stars; one submission).

Allele frequency attached by ClinVar (database versions not stated): ESP Exome Variant Server 0.00192; 1000 Genomes Project 0.00240; 1000 Genomes Project 30x 0.00250.

Submission:

CeGaT Center for Human Genetics Tuebingen
Classification: Likely benign. Last evaluated: 2023-03-01. Review status: criteria provided, single submitter. Criteria: CeGaT Center For Human Genetics Tuebingen Variant Classification Criteria Version 2. Collection method: clinical testing. Allele origin: germline. Affected: yes. Observed: 1 variant allele.
Comment: TUBAL3: BP4, BS2